The following is an entry in ClinVar:

NM_000368.5(TSC1):c.3157C>G (p.His1053Asp)

Gene: TSC1 (TSC complex subunit 1; minus strand). Cytogenetic location: 9q34.13.
Variant type: single nucleotide variant.
Coding change: c.3157C>G on transcript NM_000368.5 (MANE Select); coding-DNA position 3157, C replaced by G.
Protein change: p.His1053Asp; replaces histidine 1053 with aspartic acid.
Molecular consequence: missense variant.
Genome position (GRCh38, 1-based): chr9:132,896,573, G>C on the plus strand (C>G on the coding strand, the complement: TSC1 is on the minus strand). VCF-style: chr9-132896573-G-C. GRCh37 (hg19) VCF-style: chr9-135771960-G-C.
Other names: c.3154C>G, p.His1052Asp (NM_001162426.2, NM_001406597.1, NM_001406598.1 and 2 more transcripts); c.3004C>G, p.His1002Asp (NM_001162427.2, NM_001406610.1); c.2794C>G, p.His932Asp (NM_001362177.2, NM_001406614.1, NM_001406615.1 and 4 more transcripts); c.3157C>G, p.His1053Asp (NM_001406592.1, NM_001406593.1, NM_001406594.1 and 2 more transcripts); c.3142C>G, p.His1048Asp (NM_001406601.1, NM_001406602.1); c.3139C>G, p.His1047Asp (NM_001406603.1, NM_001406604.1); c.2791C>G, p.His931Asp (NM_001406620.1, NM_001406621.1, NM_001406622.1 and 1 more transcripts); c.3115C>G, p.His1039Asp (NM_001406605.1, NM_001406606.1, NM_001406607.1); and 8 more; short protein forms H1052D, H736D, H987D, H1001D, H1048D, H931D, H1039D, H1047D.
Identifiers: ClinVar variation 1728244 (VCV001728244.8), dbSNP rs1845068091, ClinGen allele CA375367213.

ClinVar aggregate classification (germline): Conflicting classifications of pathogenicity. Review status: criteria provided, conflicting classifications (1 of 4 stars). 2 submissions from 2 submitters: Uncertain significance (1); Likely benign (1). Last evaluated 2025-08-07.

Conditions:
Hereditary cancer-predisposing syndrome. Also called: Neoplastic Syndromes, Hereditary; Tumor predisposition; Hereditary Cancer Syndrome; Hereditary neoplastic syndrome. Identifiers: Orphanet 140162, MedGen C0027672, MeSH D009386, MONDO:0015356.
Tuberous sclerosis 1 (TSC1). Identifiers: Orphanet 805, MedGen C1854465, MONDO:0008612, OMIM 191100.

Allele frequency attached by ClinVar (database versions not stated): gnomAD 0.00001; TOPMed 0.00001.

Submissions (2):

Ambry Genetics
Classification: Likely benign for Hereditary cancer-predisposing syndrome. Last evaluated: 2025-08-07. Review status: criteria provided, single submitter. Criteria: Ambry Variant Classification Scheme 2023. Collection method: clinical testing. Allele origin: germline.

Labcorp Genetics (formerly Invitae), Labcorp
Classification: Uncertain significance for Tuberous sclerosis 1. Last evaluated: 2022-03-05. Review status: criteria provided, single submitter. Criteria: Invitae Variant Classification Sherloc (09022015). Collection method: clinical testing. Allele origin: germline.
Comment: Algorithms developed to predict the effect of missense changes on protein structure and function (SIFT, PolyPhen-2, Align-GVGD) all suggest that this variant is likely to be tolerated. In summary, the available evidence is currently insufficient to determine the role of this variant in disease. Therefore, it has been classified as a Variant of Uncertain Significance. This variant has not been reported in the literature in individuals affected with TSC1-related conditions. This variant is not present in population databases (gnomAD no frequency). This sequence change replaces histidine, which is basic and polar, with aspartic acid, which is acidic and polar, at codon 1053 of the TSC1 protein (p.His1053Asp).